The following is an entry in ClinVar:

ClinVar aggregate classification (germline): Pathogenic (1 of 4 stars; one submission).

Conditions:
Charcot-Marie-Tooth Neuropathy X. Identifiers: MedGen CN118851.

Submission:

Labcorp Genetics (formerly Invitae), Labcorp
Classification: Pathogenic for Charcot-Marie-Tooth Neuropathy X. Last evaluated: 2020-07-25. Review status: criteria provided, single submitter. Criteria: Invitae Variant Classification Sherloc (09022015). Collection method: clinical testing. Allele origin: germline.
Comment: This variant is not present in population databases (ExAC no frequency). This sequence change results in a premature translational stop signal in the GJB1 gene (p.Leu156Serfs*88). While this is not anticipated to result in nonsense mediated decay, it is expected to disrupt the last 128 amino acids of the GJB1 protein. This variant has not been reported in the literature in individuals with GJB1-related conditions. This variant disrupts the C-terminus of the GJB1 protein. Other variant(s) that disrupt this region (p.Arg220*) have been determined to be pathogenic (PMID: 7477983, 8162049, 9364054, 21291455). This suggests that variants that disrupt this region of the protein are likely to be causative of disease. For these reasons, this variant has been classified as Pathogenic.

Literature cited by the submitters: PubMed 7477983; PubMed 8162049; PubMed 9364054; PubMed 21291455.

NM_000166.6(GJB1):c.461_464dup (p.Leu156fs)

Gene: GJB1 (gap junction protein beta 1; plus strand). Cytogenetic location: Xq13.1.
Variant type: Duplication.
Coding change: c.461_464dup on transcript NM_000166.6 (MANE Select); coding-DNA positions 461 to 464, 4 bases duplicated (ATCT; older notation c.461_464dupATCT).
Protein change: p.Leu156fs; shifts the reading frame from leucine 156.
Molecular consequence: frameshift variant.
Genome position (GRCh38, 1-based): chrX:71,224,168-71,224,171, ATCT duplicated; duplicating any 4 consecutive bases within chrX:71,224,167-71,224,171 gives the same sequence; the c. name uses the placement nearest the transcript's 3' end. VCF-style (leftmost placement, unchanged base first): chrX-71224166-T-TTATC. GRCh37 (hg19) VCF-style: chrX-70444016-T-TTATC.
Other names: c.461_464dup, p.Leu156fs (NM_001097642.3); short protein forms L156fs.
Identifiers: ClinVar variation 1075826 (VCV001075826.9), dbSNP rs2147946234, ClinGen allele CA2499226845.
Genomic context (GRCh38, chrX:71,224,166, plus strand): 5'-GACCTATGTCATCAGCGTGGTGTTCCGGCTGTTGTTTGAGGCCGTCTTCATGTATGTCTT[T>TTATC]TATCTGCTCTACCCTGGCTATGCCATGGTGCGGCTGGTCAAGTGCGACGTCTACCCCTGC-3'